The following is an entry in ClinVar:

Conditions:
Breast-ovarian cancer, familial, susceptibility to, 1 (BROVCA1). Also called: BRCA1 Hereditary Breast and Ovarian Cancer; OVARIAN CANCER, SUSCEPTIBILITY TO. Identifiers: Orphanet 145, MedGen C2676676, MONDO:0011450, OMIM 604370. Disease mechanism: loss of function.

Submission:

Brotman Baty Institute, University of Washington
No classification provided (evidence only). Condition: Breast-ovarian cancer, familial 1. Review status: no classification provided. Collection method: in vitro. Allele origin: not applicable. Functional consequence: functionally_normal.
ClinVar note: "not provided" was previously submitted as the classification for the variant. However, the classification appeared to be based only on an observation of functional data so it was converted to no classification on 2025-07-30.

NM_007294.4(BRCA1):c.5100A>T (p.Thr1700=)

Gene: BRCA1 (BRCA1 DNA repair associated; minus strand). Cytogenetic location: 17q21.31.
Variant type: single nucleotide variant.
Coding change: c.5100A>T on transcript NM_007294.4 (MANE Select); coding-DNA position 5100, A replaced by T.
Protein change: p.Thr1700=; no amino-acid change (threonine 1700 retained).
Molecular consequence: synonymous variant. On other transcripts: intron variant (2).
Genome position (GRCh38, 1-based): chr17:43,063,926, T>A on the plus strand (A>T on the coding strand, the complement: BRCA1 is on the minus strand). VCF-style: chr17-43063926-T-A. GRCh37 (hg19) VCF-style: chr17-41215943-T-A.
Other names: c.4887A>T, p.Thr1629= (NM_001407571.1, NM_001407894.1, NM_001407895.1 and 12 more transcripts); c.5166A>T, p.Thr1722= (NM_001407581.1, NM_001407582.1); c.5163A>T, p.Thr1721= (NM_001407583.1, NM_001407585.1, NM_001407587.1 and 1 more transcripts); c.5160A>T, p.Thr1720= (NM_001407590.1, NM_001407591.1); c.5100A>T, p.Thr1700= (NM_001407593.1, NM_001407594.1, NM_001407596.1 and 7 more transcripts); c.5097A>T, p.Thr1699= (NM_001407610.1, NM_001407611.1, NM_001407612.1 and 17 more transcripts); c.5094A>T, p.Thr1698= (NM_001407627.1, NM_001407628.1, NM_001407629.1 and 14 more transcripts); c.5091A>T, p.Thr1697= (NM_001407644.1, NM_001407645.1); and 73 more.
Identifiers: ClinVar variation 864950 (VCV000864950.3), dbSNP rs45519437, ClinGen allele CA500146207.